The following is an entry in ClinVar:

NM_001367561.1(DOCK7):c.3002G>A (p.Arg1001Gln)

Gene: DOCK7 (dedicator of cytokinesis 7; minus strand). Cytogenetic location: 1p31.3.
Variant type: single nucleotide variant.
Coding change: c.3002G>A on transcript NM_001367561.1 (MANE Select); coding-DNA position 3002, G replaced by A.
Protein change: p.Arg1001Gln; replaces arginine 1001 with glutamine.
Molecular consequence: missense variant.
Genome position (GRCh38, 1-based): chr1:62,542,651, C>T on the plus strand (G>A on the coding strand, the complement: DOCK7 is on the minus strand). VCF-style: chr1-62542651-C-T. GRCh37 (hg19) VCF-style: chr1-63008322-C-T.
Other names: c.3002G>A, p.Arg1001Gln (NM_001271999.2, NM_001330614.2); c.2909G>A, p.Arg970Gln (NM_001272000.2, NM_001272001.2, NM_033407.4); short protein forms R1001Q, R970Q.
Identifiers: ClinVar variation 643918 (VCV000643918.6), dbSNP rs772181105, ClinGen allele CA886105.

ClinVar aggregate classification (germline): Uncertain significance (1 of 4 stars; one submission).

Conditions:
Developmental and epileptic encephalopathy, 23 (DEE23). Also called: Epileptic encephalopathy, early infantile, 23. Identifiers: Orphanet 411986, MedGen C4014492, MONDO:0014371, OMIM 615859.

Allele frequency attached by ClinVar (database versions not stated): gnomAD exomes 0.00002; gnomAD 0.00001; ExAC 0.00002; TOPMed 0.00002.

Submission:

Labcorp Genetics (formerly Invitae), Labcorp
Classification: Uncertain significance for Developmental and epileptic encephalopathy, 23. Last evaluated: 2021-08-26. Review status: criteria provided, single submitter. Criteria: Invitae Variant Classification Sherloc (09022015). Collection method: clinical testing. Allele origin: germline.
Comment: This sequence change replaces arginine with glutamine at codon 1001 of the DOCK7 protein (p.Arg1001Gln). The arginine residue is highly conserved and there is a small physicochemical difference between arginine and glutamine. This variant is present in population databases (rs772181105, ExAC 0.005%). This variant has not been reported in the literature in individuals affected with DOCK7-related conditions. Algorithms developed to predict the effect of missense changes on protein structure and function are either unavailable or do not agree on the potential impact of this missense change (SIFT: "Tolerated"; PolyPhen-2: "Probably Damaging"; Align-GVGD: "Class C0"). In summary, the available evidence is currently insufficient to determine the role of this variant in disease. Therefore, it has been classified as a Variant of Uncertain Significance.